The following is an entry in ClinVar:

NM_000465.4(BARD1):c.580A>T (p.Arg194Trp)

Gene: BARD1 (BRCA1 associated RING domain 1; minus strand). Cytogenetic location: 2q35.
Variant type: single nucleotide variant.
Coding change: c.580A>T on transcript NM_000465.4 (MANE Select); coding-DNA position 580, A replaced by T.
Protein change: p.Arg194Trp; replaces arginine 194 with tryptophan.
Molecular consequence: missense variant. On other transcripts: non-coding transcript variant (2), intron variant (3).
Genome position (GRCh38, 1-based): chr2:214,781,294, T>A on the plus strand (A>T on the coding strand, the complement: BARD1 is on the minus strand). VCF-style: chr2-214781294-T-A. GRCh37 (hg19) VCF-style: chr2-215646018-T-A.
Other names: c.523A>T, p.Arg175Trp (NM_001282543.2); c.158+28118A>T (NM_001282548.2); c.215+15767A>T (NM_001282545.2); c.364+11003A>T (NM_001282549.2); short protein forms R194W, R175W.
Identifiers: ClinVar variation 142898 (VCV000142898.19), dbSNP rs587782806, ClinGen allele CA169710.

ClinVar aggregate classification (germline): Uncertain significance. Review status: criteria provided, multiple submitters, no conflicts (2 of 4 stars). 4 submissions from 4 submitters: Uncertain significance (4). Last evaluated 2025-12-20.

Conditions:
Hereditary cancer-predisposing syndrome. Also called: Hereditary Cancer Syndrome; Neoplastic Syndromes, Hereditary; Hereditary neoplastic syndrome; Tumor predisposition. Identifiers: Orphanet 140162, MedGen C0027672, MeSH D009386, MONDO:0015356.
Familial cancer of breast. Also called: BREAST CANCER, FAMILIAL; Hereditary breast cancer; hereditary breast carcinoma. Identifiers: Orphanet 227535, MedGen C0346153, MONDO:0016419, OMIM 114480. Disease mechanism: loss of function.

Allele frequency attached by ClinVar (database versions not stated): TOPMed below 0.00001; ExAC 0.00001; gnomAD 0.00001; gnomAD exomes 0.00001.
gnomAD v4.1: 5 of 1,607,876 alleles (0.00031%); highest among the groups gnomAD compares: Non-Finnish European, 0.00042%; no homozygotes.

Submissions (4):

Labcorp Genetics (formerly Invitae), Labcorp
Classification: Uncertain significance for Familial cancer of breast. Last evaluated: 2025-12-20. Review status: criteria provided, single submitter. Criteria: Invitae Variant Classification Sherloc (09022015). Collection method: clinical testing. Allele origin: germline.
Comment: This sequence change replaces arginine, which is basic and polar, with tryptophan, which is neutral and slightly polar, at codon 194 of the BARD1 protein (p.Arg194Trp). This variant is present in population databases (rs587782806, gnomAD 0.002%). This variant has not been reported in the literature in individuals affected with BARD1-related conditions. ClinVar contains an entry for this variant (Variation ID: 142898). An algorithm developed to predict the effect of missense changes on protein structure and function (PolyPhen-2) suggests that this variant is likely to be tolerated. In summary, the available evidence is currently insufficient to determine the role of this variant in disease. Therefore, it has been classified as a Variant of Uncertain Significance.

Ambry Genetics
Classification: Uncertain significance for Hereditary cancer-predisposing syndrome. Last evaluated: 2024-11-14. Review status: criteria provided, single submitter. Criteria: Ambry Variant Classification Scheme 2023. Collection method: clinical testing. Allele origin: germline.
Comment: The p.R194W variant (also known as c.580A>T), located in coding exon 4 of the BARD1 gene, results from an A to T substitution at nucleotide position 580. The arginine at codon 194 is replaced by tryptophan, an amino acid with dissimilar properties. This amino acid position is not well conserved in available vertebrate species. In addition, this alteration is predicted to be tolerated by in silico analysis. Since supporting evidence is limited at this time, the clinical significance of this alteration remains unclear.

Sema4
Classification: Uncertain significance for Hereditary cancer-predisposing syndrome. Last evaluated: 2021-11-22. Review status: criteria provided, single submitter. Criteria: Sema4 Curation Guidelines. Collection method: curation. Allele origin: germline.
Comment: The BARD1 c.580A>T (p.R194W) variant has been reported in 2/53,461 controls but not in breast cancer cases in a large dataset of 60,466 women with breast cancer (PMID 33471991). This variant was observed in 2/111798 chromosomes in the Non-Finnish European population according to the Genome Aggregation Database (PMID: 32461654). This variant has been reported in ClinVar (Variation ID 142898). In silico tools suggest the impact of the variant on protein function is benign, though these predictions have not been confirmed by functional studies. The overall evidence is insufficient to meet ACMG/AMP criteria for classifying it as benign or pathogenic. In summary, the clinical significance of this variant is currently uncertain.

Color Diagnostics, LLC DBA Color Health
Classification: Uncertain significance for Hereditary cancer-predisposing syndrome. Last evaluated: 2019-10-16. Review status: criteria provided, single submitter. Criteria: ACMG Guidelines, 2015. Collection method: clinical testing. Allele origin: germline.
Comment: This missense variant replaces arginine with tryptophan at codon 194 of the BARD1 protein. Computational prediction suggests that this variant may not impact protein structure and function (internally defined REVEL score threshold <= 0.5, PMID: 27666373). Splice site prediction tools suggest that this variant may not impact RNA splicing. To our knowledge, functional studies have not been performed for this variant. This variant has not been reported in individuals affected with hereditary cancer in the literature. This variant has been identified in 2/245364 chromosomes in the general population by the Genome Aggregation Database (gnomAD). The available evidence is insufficient to determine the role of this variant in disease conclusively. Therefore, this variant is classified as a Variant of Uncertain Significance.

Literature cited by the submitters: PubMed 33471991 (cited by Sema4).